The following is an entry in ClinVar:

ClinVar aggregate classification (germline): Uncertain significance (1 of 4 stars; one submission).

Conditions:
Inborn genetic diseases. Identifiers: MedGen C0950123, MeSH D030342.

Submission:

Ambry Genetics
Classification: Uncertain significance for Inborn genetic diseases. Last evaluated: 2025-04-10. Review status: criteria provided, single submitter. Criteria: Ambry Variant Classification Scheme 2023. Collection method: clinical testing. Allele origin: germline.
Comment: The p.L758W variant (also known as c.2273T>G), located in coding exon 12 of the BMPR2 gene, results from a T to G substitution at nucleotide position 2273. The leucine at codon 758 is replaced by tryptophan, an amino acid with similar properties. This amino acid position is conserved. In addition, this alteration is predicted to be deleterious by in silico analysis. Based on the available evidence, the clinical significance of this variant remains unclear.

NM_001204.7(BMPR2):c.2273T>G (p.Leu758Trp)

Gene: BMPR2 (bone morphogenetic protein receptor type 2; plus strand). Cytogenetic location: 2q33.2.
Variant type: single nucleotide variant.
Coding change: c.2273T>G on transcript NM_001204.7 (MANE Select); coding-DNA position 2273, T replaced by G.
Protein change: p.Leu758Trp; replaces leucine 758 with tryptophan.
Molecular consequence: missense variant.
Genome position (GRCh38, 1-based): chr2:202,555,938, T>G. VCF-style: chr2-202555938-T-G. GRCh37 (hg19) VCF-style: chr2-203420661-T-G.
Other names: short protein forms L758W.
Identifiers: ClinVar variation 3992111 (VCV003992111.1).